The following is an entry in ClinVar:

ClinVar aggregate classification (germline): Uncertain significance (1 of 4 stars; one submission).

Allele frequency attached by ClinVar (database versions not stated): gnomAD exomes below 0.00001.
gnomAD v4.1: 4 of 1,614,158 alleles (0.00025%); highest among the groups gnomAD compares: Non-Finnish European, 0.00025%; no homozygotes.

Submission:

Labcorp Genetics (formerly Invitae), Labcorp
Classification: Uncertain significance. Last evaluated: 2022-05-03. Review status: criteria provided, single submitter. Criteria: Invitae Variant Classification Sherloc (09022015). Collection method: clinical testing. Allele origin: germline.
Comment: In summary, the available evidence is currently insufficient to determine the role of this variant in disease. Therefore, it has been classified as a Variant of Uncertain Significance. Advanced modeling of protein sequence and biophysical properties (such as structural, functional, and spatial information, amino acid conservation, physicochemical variation, residue mobility, and thermodynamic stability) performed at Invitae indicates that this missense variant is not expected to disrupt FAT4 protein function. This variant has not been reported in the literature in individuals affected with FAT4-related conditions. This variant is not present in population databases (gnomAD no frequency). This sequence change replaces valine, which is neutral and non-polar, with aspartic acid, which is acidic and polar, at codon 3512 of the FAT4 protein (p.Val3512Asp).

NM_001291303.3(FAT4):c.10541T>A (p.Val3514Asp)

Gene: FAT4 (FAT atypical cadherin 4; plus strand). Cytogenetic location: 4q28.1.
Variant type: single nucleotide variant.
Coding change: c.10541T>A on transcript NM_001291303.3 (MANE Select); coding-DNA position 10541, T replaced by A.
Protein change: p.Val3514Asp; replaces valine 3514 with aspartic acid.
Molecular consequence: missense variant.
Genome position (GRCh38, 1-based): chr4:125,451,551, T>A. VCF-style: chr4-125451551-T-A. GRCh37 (hg19) VCF-style: chr4-126372706-T-A.
Other names: c.10541T>A, p.Val3514Asp (NM_001291285.3); c.10535T>A, p.Val3512Asp (NM_024582.6); short protein forms V3514D, V3512D.
Identifiers: ClinVar variation 2132863 (VCV002132863.4), dbSNP rs1726073745, ClinGen allele CA358158928.